The following is an entry in ClinVar:

ClinVar aggregate classification (germline): Uncertain significance (1 of 4 stars; one submission).

Submission:

Labcorp Genetics (formerly Invitae), Labcorp
Classification: Uncertain significance. Last evaluated: 2023-08-24. Review status: criteria provided, single submitter. Criteria: Invitae Variant Classification Sherloc (09022015). Collection method: clinical testing. Allele origin: germline.
Comment: This variant has not been reported in the literature in individuals affected with THPO-related conditions. This variant is not present in population databases (gnomAD no frequency). This sequence change replaces serine, which is neutral and polar, with proline, which is neutral and non-polar, at codon 350 of the THPO protein (p.Ser350Pro). Algorithms developed to predict the effect of missense changes on protein structure and function output the following: SIFT: "Not Available"; PolyPhen-2: "Benign"; Align-GVGD: "Not Available". The proline amino acid residue is found in multiple mammalian species, which suggests that this missense change does not adversely affect protein function. In summary, the available evidence is currently insufficient to determine the role of this variant in disease. Therefore, it has been classified as a Variant of Uncertain Significance.

NM_000460.4(THPO):c.1048T>C (p.Ser350Pro)

Gene: THPO (thrombopoietin; minus strand). Cytogenetic location: 3q27.1.
Variant type: single nucleotide variant.
Coding change: c.1048T>C on transcript NM_000460.4 (MANE Select); coding-DNA position 1048, T replaced by C.
Protein change: p.Ser350Pro; replaces serine 350 with proline.
Molecular consequence: missense variant. On other transcripts: 3 prime UTR variant (4).
Genome position (GRCh38, 1-based): chr3:184,372,527, A>G on the plus strand (T>C on the coding strand, the complement: THPO is on the minus strand). VCF-style: chr3-184372527-A-G. GRCh37 (hg19) VCF-style: chr3-184090315-A-G.
Other names: c.1036T>C, p.Ser346Pro (NM_001177597.2, NM_001290022.1); c.*71T>C (NM_001177598.2, NM_001289997.1, NM_001290026.1 and 1 more transcripts); c.1048T>C, p.Ser350Pro (NM_001289998.1, NM_001290028.1); c.1468T>C, p.Ser490Pro (NM_001290003.1); short protein forms S350P, S346P, S490P.
Identifiers: ClinVar variation 2754764 (VCV002754764.3), dbSNP rs2474330518, ClinGen allele CA355461008.
Genomic context (GRCh38, chr3:184,372,527, plus strand): 5'-GGAGCTGTACACGAGACAATGCTGATGTCGGCAGTGTCTGAGAACCTTACCCTTCCTGAG[A>G]CAGATTCTGGGAGTGGGTGTAGGATGTGTTTAGAAGAGGGCTGGTAGGGGTGGGCGTTGG-3'
Protein context (NP_000451.1, residues 340-353): NTSYTHSQNL[Ser350Pro]QEG